The following is an entry in ClinVar:

NM_000548.5(TSC2):c.3299T>G (p.Val1100Gly)

Gene: TSC2 (TSC complex subunit 2; plus strand). Cytogenetic location: 16p13.3.
Variant type: single nucleotide variant.
Coding change: c.3299T>G on transcript NM_000548.5 (MANE Select); coding-DNA position 3299, T replaced by G.
Protein change: p.Val1100Gly; replaces valine 1100 with glycine.
Molecular consequence: missense variant.
Genome position (GRCh38, 1-based): chr16:2,079,571, T>G. VCF-style: chr16-2079571-T-G. GRCh37 (hg19) VCF-style: chr16-2129572-T-G.
Other names: c.3167T>G, p.Val1056Gly (NM_001077183.3, NM_001370404.1, NM_001406665.1); c.3299T>G, p.Val1100Gly (NM_001114382.3); c.3059T>G, p.Val1020Gly (NM_001318827.2); c.3023T>G, p.Val1008Gly (NM_001318829.2); c.2567T>G, p.Val856Gly (NM_001318831.2, NM_001406687.1, NM_001406688.1); c.3200T>G, p.Val1067Gly (NM_001318832.2); c.3170T>G, p.Val1057Gly (NM_001363528.2, NM_001370405.1, NM_021055.3); c.3296T>G, p.Val1099Gly (NM_001406663.1, NM_001406664.1); and 18 more; short protein forms V1007G, V1037G, V1053G, V1100G, V1020G, V1050G, V1067G, V1086G.
Identifiers: ClinVar variation 1729913 (VCV001729913.5), dbSNP rs2089868343, ClinGen allele CA394286501.

ClinVar aggregate classification (germline): Uncertain significance. Review status: criteria provided, multiple submitters, no conflicts (2 of 4 stars). 2 submissions from 2 submitters: Uncertain significance (2). Last evaluated 2025-10-09.

Conditions:
Hereditary cancer-predisposing syndrome. Also called: Neoplastic Syndromes, Hereditary; Tumor predisposition; Hereditary Cancer Syndrome; Hereditary neoplastic syndrome. Identifiers: Orphanet 140162, MedGen C0027672, MeSH D009386, MONDO:0015356.
Tuberous sclerosis 2 (TSC2). Identifiers: Orphanet 805, MedGen C1860707, MONDO:0013199, OMIM 613254.

Allele frequency attached by ClinVar (database versions not stated): gnomAD 0.00001.
gnomAD v4.1: 1 of 1,610,544 alleles (0.000062%); highest among the groups gnomAD compares: Admixed American, 0.0017%; no homozygotes.

Submissions (2):

Ambry Genetics
Classification: Uncertain significance for Hereditary cancer-predisposing syndrome. Last evaluated: 2025-10-09. Review status: criteria provided, single submitter. Criteria: Ambry Variant Classification Scheme 2023. Collection method: clinical testing. Allele origin: germline.
Comment: The p.V1100G variant (also known as c.3299T>G), located in coding exon 28 of the TSC2 gene, results from a T to G substitution at nucleotide position 3299. The valine at codon 1100 is replaced by glycine, an amino acid with dissimilar properties. This amino acid position is poorly conserved in available vertebrate species. In addition, the in silico prediction for this alteration is inconclusive. Since supporting evidence is limited at this time, the clinical significance of this alteration remains unclear.

Labcorp Genetics (formerly Invitae), Labcorp
Classification: Uncertain significance for Tuberous sclerosis 2. Last evaluated: 2024-12-10. Review status: criteria provided, single submitter. Criteria: Invitae Variant Classification Sherloc (09022015). Collection method: clinical testing. Allele origin: germline.
Comment: This sequence change replaces valine, which is neutral and non-polar, with glycine, which is neutral and non-polar, at codon 1100 of the TSC2 protein (p.Val1100Gly). This variant is not present in population databases (gnomAD no frequency). This variant has not been reported in the literature in individuals affected with TSC2-related conditions. ClinVar contains an entry for this variant (Variation ID: 1729913). Invitae Evidence Modeling of protein sequence and biophysical properties (such as structural, functional, and spatial information, amino acid conservation, physicochemical variation, residue mobility, and thermodynamic stability) indicates that this missense variant is not expected to disrupt TSC2 protein function with a negative predictive value of 95%. In summary, the available evidence is currently insufficient to determine the role of this variant in disease. Therefore, it has been classified as a Variant of Uncertain Significance.